The following is an entry in ClinVar:

ClinVar aggregate classification (germline): Uncertain significance (1 of 4 stars; one submission).

Conditions:
Inborn genetic diseases. Identifiers: MedGen C0950123, MeSH D030342.

Allele frequency attached by ClinVar (database versions not stated): gnomAD exomes below 0.00001.
gnomAD v4.1: 1 of 1,613,554 alleles (0.000062%); highest among the groups gnomAD compares: Non-Finnish European, 0.000085%; no homozygotes.

Submission:

Ambry Genetics
Classification: Uncertain significance for Inborn genetic diseases. Last evaluated: 2026-08-08. Review status: criteria provided, single submitter. Criteria: Ambry Variant Classification Scheme 2023. Collection method: clinical testing. Allele origin: germline.
Comment: The p.S997R variant (also known as c.2991T>A), located in coding exon 31 of the FANCA gene, results from a T to A substitution at nucleotide position 2991. The serine at codon 997 is replaced by arginine, an amino acid with dissimilar properties. This amino acid position is conserved. In addition, this alteration is predicted to be tolerated by in silico analysis. Based on the available evidence, the clinical significance of this variant remains unclear.

NM_000135.4(FANCA):c.2991T>A (p.Ser997Arg)

Gene: FANCA (FA complementation group A; minus strand). Cytogenetic location: 16q24.3.
Variant type: single nucleotide variant.
Coding change: c.2991T>A on transcript NM_000135.4 (MANE Select); coding-DNA position 2991, T replaced by A.
Protein change: p.Ser997Arg; replaces serine 997 with arginine.
Molecular consequence: missense variant.
Genome position (GRCh38, 1-based): chr16:89,752,213, A>T on the plus strand (T>A on the coding strand, the complement: FANCA is on the minus strand). VCF-style: chr16-89752213-A-T. GRCh37 (hg19) VCF-style: chr16-89818621-A-T.
Other names: c.2991T>A, p.Ser997Arg (NM_001286167.3); short protein forms S997R.
Identifiers: ClinVar variation 3092780 (VCV003092780.2), dbSNP rs1329130081, ClinGen allele CA397427469.
Genomic context (GRCh38, chr16:89,752,213, plus strand): 5'-AATATCCTCATTTCCTGTGCGGCCACCAAAGACCAAATCAGAATTTTCTGAGTGGTCATA[A>T]CTCCTTGAGCTGAAATGAAAATACAATAAAATCCTCCTCAGTATCGCCTAATAGTGCTGA-3'
Protein context (NP_000126.2, residues 987-1007): ALMDFHQSSR[Ser997Arg]YDHSENSDLV